The following is an entry in ClinVar:

NM_000350.3(ABCA4):c.973_974del (p.Gly325fs)

Gene: ABCA4 (ATP binding cassette subfamily A member 4; minus strand). Cytogenetic location: 1p22.1.
Variant type: Deletion.
Coding change: c.973_974del on transcript NM_000350.3 (MANE Select); coding-DNA positions 973 to 974, 2 bases deleted (GG; older notation c.973_974delGG).
Protein change: p.Gly325fs; shifts the reading frame from glycine 325.
Molecular consequence: frameshift variant.
Genome position (GRCh38, 1-based): chr1:94,080,603-94,080,604, CC deleted on the plus strand (GG on the coding strand, the reverse complement: ABCA4 is on the minus strand). VCF-style (leftmost placement, unchanged base first): chr1-94080602-GCC-G. GRCh37 (hg19) VCF-style: chr1-94546158-GCC-G.
Other names: c.973_974del, p.Gly325fs (NM_001425324.1); short protein forms G325fs.
Identifiers: ClinVar variation 4819965 (VCV004819965.1).

ClinVar aggregate classification (germline): Pathogenic (1 of 4 stars; one submission).

Conditions:
Retinal disorder. Also called: Retinal disorders; Retinopathies; Retinal Diseases; Retinopathy. Identifiers: MedGen C0035309, MONDO:0005283, HP:0000488.

Submission:

Genetics Laboratory, Great Ormond Street Hospital NHS Foundation Trust, North Thames Genomic Laboratory Hub
Classification: Pathogenic for Retinal disorders. Last evaluated: 2026-02-09. Review status: criteria provided, single submitter. Criteria: ACGS Best Practice Guidelines for Variant Classification in Rare Disease 2024 v1.2. Collection method: clinical testing. Allele origin: germline. Affected: yes.
Comment: PM2_moderate, PVS1_very-strong